The following is an entry in ClinVar:

ClinVar aggregate classification (germline): Pathogenic (1 of 4 stars; one submission).

Conditions:
Biotinidase deficiency. Also called: Biotin deficiency; BTD deficiency; Late-onset biotin-responsive multiple carboxylase deficiency. Identifiers: Orphanet 79241, MedGen C0220754, MONDO:0009665, OMIM 253260.

Submission:

Labcorp Genetics (formerly Invitae), Labcorp
Classification: Pathogenic for Biotinidase deficiency. Last evaluated: 2022-05-25. Review status: criteria provided, single submitter. Criteria: Invitae Variant Classification Sherloc (09022015). Collection method: clinical testing. Allele origin: germline.
Comment: This sequence change creates a premature translational stop signal (p.Trp321Leufs*4) in the BTD gene. While this is not anticipated to result in nonsense mediated decay, it is expected to disrupt the last 223 amino acid(s) of the BTD protein. For these reasons, this variant has been classified as Pathogenic. This variant disrupts a region of the BTD protein in which other variant(s) (p.Asp543Glu) have been determined to be pathogenic (PMID: 25174816, 25967232, 28498829). This suggests that this is a clinically significant region of the protein, and that variants that disrupt it are likely to be disease-causing. This variant has not been reported in the literature in individuals affected with BTD-related conditions. This variant is not present in population databases (gnomAD no frequency).

Literature cited by the submitters: PubMed 25174816; PubMed 25967232; PubMed 28498829.

NM_001370658.1(BTD):c.901dup (p.Trp301fs)

Gene: BTD (biotinidase; plus strand). Cytogenetic location: 3p25.1.
Variant type: Duplication.
Coding change: c.901dup on transcript NM_001370658.1 (MANE Select); coding-DNA position 901, one base duplicated (T; older notation c.901dupT).
Protein change: p.Trp301fs; shifts the reading frame from tryptophan 301.
Molecular consequence: frameshift variant. On other transcripts: intron variant (1).
Genome position (GRCh38, 1-based): chr3:15,644,817, T duplicated; the last of 4 consecutive T bases (chr3:15,644,814-15,644,817); duplicating any one gives the same sequence. VCF-style (leftmost placement, unchanged base first): chr3-15644813-C-CT. GRCh37 (hg19) VCF-style: chr3-15686320-C-CT.
Other names: c.901dup, p.Trp301Leufs (NM_001407379.1, NM_001407375.1, NM_001407376.1 and 16 more transcripts); c.399+2760dup (NM_001370753.1); c.961dup, p.Trp321Leufs (NM_000060.4); c.901dup, p.Trp301fs (NM_001281724.3, NM_001370752.1); short protein forms W301fs.
Identifiers: ClinVar variation 1998635 (VCV001998635.4), dbSNP rs2471515479, ClinGen allele CA2580068526.